The following is an entry in ClinVar:

ClinVar aggregate classification (germline): Benign. Review status: criteria provided, multiple submitters, no conflicts (2 of 4 stars). 2 submissions from 2 submitters: Benign (2). Last evaluated 2018-06-14.

Allele frequency attached by ClinVar (database versions not stated): gnomAD 0.07819 and 0.08205; TOPMed 0.08011; gnomAD exomes 0.09704; 1000 Genomes Project 30x 0.11102; 1000 Genomes Project 0.11422.
gnomAD v4.1: 71,464 of 757,092 alleles (9.4%); highest among the groups gnomAD compares: East Asian, 29%; 4,540 homozygotes.

Submissions (2):

GeneDx
Classification: Benign. Last evaluated: 2018-06-14. Review status: criteria provided, single submitter. Criteria: GeneDx Variant Classification (06012015). Collection method: clinical testing. Allele origin: germline. Affected: yes.
Comment: This variant is considered likely benign or benign based on one or more of the following criteria: it is a conservative change, it occurs at a poorly conserved position in the protein, it is predicted to be benign by multiple in silico algorithms, and/or has population frequency not consistent with disease.

Breakthrough Genomics
Classification: Benign. Review status: criteria provided, single submitter. Criteria: ACMG Guidelines, 2015. Collection method: not provided. Allele origin: germline. Inheritance: Autosomal recessive inheritance. Affected: yes.

NM_018122.5(DARS2):c.1129-109T>C

Gene: DARS2 (aspartyl-tRNA synthetase 2, mitochondrial; plus strand). Cytogenetic location: 1q25.1.
Variant type: single nucleotide variant.
Coding change: c.1129-109T>C on transcript NM_018122.5 (MANE Select); 109 bases into the intron before coding-DNA position 1129, T replaced by C.
Molecular consequence: intron variant.
Genome position (GRCh38, 1-based): chr1:173,845,120, T>C. VCF-style: chr1-173845120-T-C. GRCh37 (hg19) VCF-style: chr1-173814258-T-C.
Other names: c.1129-109T>C (NM_001365212.1, NM_001365213.2).
Identifiers: ClinVar variation 671620 (VCV000671620.2), dbSNP rs77124001, ClinGen allele CA10851032.